The following is an entry in ClinVar:

NM_005591.4(MRE11):c.403-5C>T

Gene: MRE11 (MRE11 double strand break repair nuclease; minus strand). Cytogenetic location: 11q21.
Variant type: single nucleotide variant.
Coding change: c.403-5C>T on transcript NM_005591.4 (MANE Select); 5 bases into the intron before coding-DNA position 403, C replaced by T.
Molecular consequence: intron variant.
Genome position (GRCh38, 1-based): chr11:94,478,881, G>A on the plus strand (C>T on the coding strand, the complement: MRE11 is on the minus strand). VCF-style: chr11-94478881-G-A. GRCh37 (hg19) VCF-style: chr11-94212047-G-A.
Other names: c.403-5C>T (NM_005590.4, NM_001330347.2).
Identifiers: ClinVar variation 824528 (VCV000824528.4), dbSNP rs764277924, ClinGen allele CA6235395.

ClinVar aggregate classification (germline): Uncertain significance (1 of 4 stars; one submission).

Conditions:
Hereditary cancer-predisposing syndrome. Also called: Neoplastic Syndromes, Hereditary; Tumor predisposition; Hereditary neoplastic syndrome; Hereditary Cancer Syndrome. Identifiers: Orphanet 140162, MedGen C0027672, MeSH D009386, MONDO:0015356.

Allele frequency attached by ClinVar (database versions not stated): gnomAD exomes below 0.00001 and 0.00003; ExAC 0.00001; TOPMed 0.00001.
gnomAD v4.1: 3 of 1,613,512 alleles (0.00019%); highest among the groups gnomAD compares: East Asian, 0.0067%; no homozygotes.

Submission:

Ambry Genetics
Classification: Uncertain significance for Hereditary cancer-predisposing syndrome. Last evaluated: 2018-06-21. Review status: criteria provided, single submitter. Criteria: Ambry Variant Classification Scheme 2023. Collection method: clinical testing. Allele origin: germline.
Comment: The c.403-5C>T intronic variant results from a C to T substitution 5 nucleotides upstream from coding exon 5 in the MRE11A gene. This nucleotide position is poorly conserved in available vertebrate species. Using the BDGP and ESEfinder splice site prediction tools, this alteration is not predicted to have any significant effect on this splice acceptor site; however, direct evidence is unavailable. Since supporting evidence is limited at this time, the clinical significance of this alteration remains unclear.